The following is an entry in ClinVar:

NM_001083962.2(TCF4):c.1234C>T (p.Pro412Ser)

Gene: TCF4 (transcription factor 4; minus strand). Cytogenetic location: 18q21.2.
Variant type: single nucleotide variant.
Coding change: c.1234C>T on transcript NM_001083962.2 (MANE Select); coding-DNA position 1234, C replaced by T.
Protein change: p.Pro412Ser; replaces proline 412 with serine.
Molecular consequence: missense variant.
Genome position (GRCh38, 1-based): chr18:55,254,613, G>A on the plus strand (C>T on the coding strand, the complement: TCF4 is on the minus strand). VCF-style: chr18-55254613-G-A. GRCh37 (hg19) VCF-style: chr18-52921844-G-A.
Other names: c.1234C>T, p.Pro412Ser (NM_001369572.1, NM_003199.3, NM_001369567.1 and 2 more transcripts); c.1231C>T, p.Pro411Ser (NM_001369573.1, NM_001369574.1, NM_001369569.1 and 2 more transcripts); c.1162C>T, p.Pro388Ser (NM_001369575.1, NM_001369582.1, NM_001369583.1 and 5 more transcripts); c.1159C>T, p.Pro387Ser (NM_001369576.1, NM_001369577.1, NM_001369578.1 and 6 more transcripts); c.1165C>T, p.Pro389Ser (NM_001369586.1); c.754C>T, p.Pro252Ser (NM_001348216.2, NM_001243234.2, NM_001243235.2 and 1 more transcripts); c.1540C>T, p.Pro514Ser (NM_001243226.3); c.1252C>T, p.Pro418Ser (NM_001243228.2); and 6 more; short protein forms P341S, P370S, P411S, P196S, P412S, P418S, P251S, P252S.
Identifiers: ClinVar variation 2713485 (VCV002713485.3), dbSNP rs748075595, ClinGen allele CA300814462.

ClinVar aggregate classification (germline): Uncertain significance (1 of 4 stars; one submission).

Conditions:
Pitt-Hopkins syndrome (PTHS). Also called: ENCEPHALOPATHY, SEVERE EPILEPTIC, WITH AUTONOMIC DYSFUNCTION; MENTAL RETARDATION, SYNDROMAL, WITH INTERMITTENT HYPERVENTILATION. Identifiers: Orphanet 2896, MedGen C1970431, MONDO:0012589, OMIM 610954.

Allele frequency attached by ClinVar (database versions not stated): gnomAD exomes below 0.00001; TOPMed below 0.00001; gnomAD 0.00001.
gnomAD v4.1: 2 of 1,613,460 alleles (0.00012%); highest among the groups gnomAD compares: Admixed American, 0.0017%; no homozygotes.

Submission:

Labcorp Genetics (formerly Invitae), Labcorp
Classification: Uncertain significance for Pitt-Hopkins syndrome. Last evaluated: 2023-07-30. Review status: criteria provided, single submitter. Criteria: Invitae Variant Classification Sherloc (09022015). Collection method: clinical testing. Allele origin: germline.
Comment: This sequence change replaces proline, which is neutral and non-polar, with serine, which is neutral and polar, at codon 412 of the TCF4 protein (p.Pro412Ser). This variant is not present in population databases (gnomAD no frequency). This variant has not been reported in the literature in individuals affected with TCF4-related conditions. Advanced modeling of protein sequence and biophysical properties (such as structural, functional, and spatial information, amino acid conservation, physicochemical variation, residue mobility, and thermodynamic stability) performed at Invitae indicates that this missense variant is not expected to disrupt TCF4 protein function. In summary, the available evidence is currently insufficient to determine the role of this variant in disease. Therefore, it has been classified as a Variant of Uncertain Significance.